The following is an entry in ClinVar:

NM_000312.4(PROC):c.524G>A (p.Cys175Tyr)

Gene: PROC (protein C, inactivator of coagulation factors Va and VIIIa; plus strand). Cytogenetic location: 2q14.3.
Variant type: single nucleotide variant.
Coding change: c.524G>A on transcript NM_000312.4 (MANE Select); coding-DNA position 524, G replaced by A.
Protein change: p.Cys175Tyr; replaces cysteine 175 with tyrosine.
Molecular consequence: missense variant.
Genome position (GRCh38, 1-based): chr2:127,423,397, G>A. VCF-style: chr2-127423397-G-A. GRCh37 (hg19) VCF-style: chr2-128180973-G-A.
Other names: p.Cys175Tyr; c.626G>A, p.Cys209Tyr (NM_001375605.1); c.692G>A, p.Cys231Tyr (NM_001375606.1); c.500G>A, p.Cys167Tyr (NM_001375609.1); c.524G>A, p.Cys175Tyr (NM_001375611.1, NM_001375613.1); c.467G>A, p.Cys156Tyr (NM_001375608.1); c.710G>A, p.Cys237Tyr (NM_001375607.1); c.518G>A, p.Cys173Tyr (NM_001375610.1); and 3 more; short protein forms C175Y, C156Y, C167Y, C173Y, C196Y, C209Y, C230Y, C231Y.
Identifiers: ClinVar variation 627327 (VCV000627327.6), dbSNP rs199469474, ClinGen allele CA55345553.

ClinVar aggregate classification (germline): Conflicting classifications of pathogenicity. Review status: criteria provided, conflicting classifications (1 of 4 stars). 3 submissions from 3 submitters: Likely pathogenic (2); Uncertain significance (1). Last evaluated 2025-08-29.

Conditions:
Thrombophilia due to protein C deficiency, autosomal dominant. Also called: PROC DEFICIENCY, AUTOSOMAL DOMINANT; PROTEIN C DEFICIENCY, AUTOSOMAL DOMINANT. Identifiers: Orphanet 745, MedGen C2674321, MONDO:0008316, OMIM 176860. Disease mechanism: loss of function.
Reduced protein C activity. Identifiers: MedGen C0398625, MeSH D020151, HP:0005543.

Allele frequency attached by ClinVar (database versions not stated): gnomAD exomes 0.00001 and 0.00002.

Submissions (3):

Mayo Clinic Laboratories, Mayo Clinic
Classification: Likely pathogenic. Last evaluated: 2025-08-29. Review status: criteria provided, single submitter. Criteria: ACMG Guidelines, 2015. Collection method: clinical testing. Allele origin: germline. Observed: 1 variant allele.
Comment: PP3_moderate, PM1, PM2_supporting, PS4_supporting

Labcorp Genetics (formerly Invitae), Labcorp
Classification: Uncertain significance for Thrombophilia due to protein C deficiency, autosomal dominant. Last evaluated: 2025-03-05. Review status: criteria provided, single submitter. Criteria: Invitae Variant Classification Sherloc (09022015). Collection method: clinical testing. Allele origin: germline.
Comment: This sequence change replaces cysteine, which is neutral and slightly polar, with tyrosine, which is neutral and polar, at codon 175 of the PROC protein (p.Cys175Tyr). The frequency data for this variant in the population databases is considered unreliable, as metrics indicate poor data quality at this position in the gnomAD database. This missense change has been observed in individuals with protein C deficiency (PMID: 22545135, 22627591, 24028705, 31064749; internal data). ClinVar contains an entry for this variant (Variation ID: 627327). Invitae Evidence Modeling of protein sequence and biophysical properties (such as structural, functional, and spatial information, amino acid conservation, physicochemical variation, residue mobility, and thermodynamic stability) has been performed for this missense variant. However, the output from this modeling did not meet the statistical confidence thresholds required to predict the impact of this variant on PROC protein function. This variant disrupts the p.Cys175 amino acid residue in PROC. Other variant(s) that disrupt this residue have been observed in individuals with PROC-related conditions (PMID: 28607330), which suggests that this may be a clinically significant amino acid residue. In summary, the available evidence is currently insufficient to determine the role of this variant in disease. Therefore, it has been classified as a Variant of Uncertain Significance.

NIHR Bioresource Rare Diseases, University of Cambridge
Classification: Likely pathogenic for Reduced protein C activity. Last evaluated: 2019-02-01. Review status: criteria provided, single submitter. Criteria: ACMG Guidelines, 2015. Collection method: research. Allele origin: unknown. Affected: yes. Observed: 1 compound heterozygote. Study: ThromboGenomics.

Literature cited by the submitters: PubMed 22545135 (cited by Mayo Clinic Laboratories, Mayo Clinic and Labcorp Genetics (formerly Invitae), Labcorp); PubMed 22627591 (cited by Mayo Clinic Laboratories, Mayo Clinic and Labcorp Genetics (formerly Invitae), Labcorp); PubMed 24028705 (cited by Mayo Clinic Laboratories, Mayo Clinic and Labcorp Genetics (formerly Invitae), Labcorp); PubMed 31064749 (cited by Labcorp Genetics (formerly Invitae), Labcorp and NIHR Bioresource Rare Diseases, University of Cambridge); PubMed 28607330 (cited by Labcorp Genetics (formerly Invitae), Labcorp).